The following is an entry in ClinVar:

NM_145166.4(ZBTB47):c.1731A>C (p.Arg577Ser)

Gene: ZBTB47 (zinc finger and BTB domain containing 47; plus strand). Cytogenetic location: 3p22.1.
Variant type: single nucleotide variant.
Coding change: c.1731A>C on transcript NM_145166.4 (MANE Select); coding-DNA position 1731, A replaced by C.
Protein change: p.Arg577Ser; replaces arginine 577 with serine.
Molecular consequence: missense variant.
Genome position (GRCh38, 1-based): chr3:42,663,121, A>C. VCF-style: chr3-42663121-A-C. GRCh37 (hg19) VCF-style: chr3-42704613-A-C.
Other names: c.1815A>C, p.Arg605Ser (NM_001410746.1); short protein forms R577S, R605S.
Identifiers: ClinVar variation 3900193 (VCV003900193.1).

ClinVar aggregate classification (germline): Uncertain significance (1 of 4 stars; one submission).

Submission:

GeneDx
Classification: Uncertain significance. Last evaluated: 2024-11-25. Review status: criteria provided, single submitter. Criteria: GeneDx Variant Classification Process June 2021. Collection method: clinical testing. Allele origin: germline. Affected: yes.
Comment: Not observed at significant frequency in large population cohorts (gnomAD); In silico analysis supports that this missense variant has a deleterious effect on protein structure/function; Has not been previously published as pathogenic or benign to our knowledge